The following is an entry in ClinVar:

ClinVar aggregate classification (germline): Likely pathogenic. Review status: criteria provided, single submitter (1 of 4 stars). 2 submissions from 2 submitters: Likely pathogenic (1). 1 of the submissions does not count toward it. Last evaluated 2023-11-08.

Conditions:
Dilated cardiomyopathy 1G (CMD1G). Identifiers: Orphanet 154, MedGen C1858763, MONDO:0011400, OMIM 604145.
Autosomal recessive limb-girdle muscular dystrophy type 2J (LGMDR10). Also called: Limb-girdle muscular dystrophy, type 2J; MUSCULAR DYSTROPHY, LIMB-GIRDLE, AUTOSOMAL RECESSIVE 10. Identifiers: Orphanet 140922, MedGen C1837342, MONDO:0012127, OMIM 608807.

Submissions (2):

Labcorp Genetics (formerly Invitae), Labcorp
Classification: Likely pathogenic for Dilated cardiomyopathy 1G; Autosomal recessive limb-girdle muscular dystrophy type 2J. Last evaluated: 2023-11-08. Review status: criteria provided, single submitter. Criteria: Invitae Variant Classification Sherloc (09022015). Collection method: clinical testing. Allele origin: germline.
Comment: This sequence change creates a premature translational stop signal (p.Asn19846Metfs*12) in the TTN gene. While this is not anticipated to result in nonsense mediated decay, it is expected to create a truncated TTN protein. This variant is not present in population databases (gnomAD no frequency). This premature translational stop signal has been observed in individual(s) with dilated cardiomyopathy (PMID: 34011823). ClinVar contains an entry for this variant (Variation ID: 1012334). This variant is located in the A band of TTN (PMID: 25589632). Truncating variants in this region are significantly overrepresented in patients affected with dilated cardiomyopathy (PMID: 25589632). Truncating variants in this region have also been reported in individuals affected with autosomal recessive centronuclear myopathy (PMID: 23975875). In summary, the currently available evidence indicates that the variant is pathogenic, but additional data are needed to prove that conclusively. Therefore, this variant has been classified as Likely Pathogenic.

KTest Genetics, KTest
Classification: Likely pathogenic for Dilated cardiomyopathy 1G. Review status: no assertion criteria provided. Criteria: ACMG Guidelines, 2015. Collection method: clinical testing. Allele origin: germline. Affected: yes. Not counted in ClinVar's aggregate classification.

Literature cited by the submitters: PubMed 34011823 (cited by Labcorp Genetics (formerly Invitae), Labcorp); PubMed 25589632 (cited by Labcorp Genetics (formerly Invitae), Labcorp); PubMed 23975875 (cited by Labcorp Genetics (formerly Invitae), Labcorp).

NM_001267550.2(TTN):c.59535del (p.Asn19846fs)

Genes: TTN (titin; minus strand), TTN-AS1 (TTN antisense RNA 1; plus strand), LOC126806424 (CDK7 strongly-dependent group 2 enhancer GRCh37_chr2:179456337-179457536; plus strand). Cytogenetic location: 2q31.2.
Variant type: Deletion.
Coding change: c.59535del on transcript NM_001267550.2 (MANE Select); coding-DNA position 59535, one base deleted (T; older notation c.59535delT).
Protein change: p.Asn19846fs; shifts the reading frame from asparagine 19846.
Molecular consequence: frameshift variant.
Genome position (GRCh38, 1-based): chr2:178,592,470, A deleted on the plus strand (T on the coding strand, the reverse complement: TTN is on the minus strand). VCF-style (leftmost placement, unchanged base first): chr2-178592469-TA-T. GRCh37 (hg19) VCF-style: chr2-179457196-TA-T.
Other names: c.54612del, p.Asn18205fs (NM_001256850.1); c.32340del, p.Asn10781fs (NM_003319.4); c.51831del, p.Asn17278fs (NM_133378.4); c.32715del, p.Asn10906fs (NM_133432.3); c.32916del, p.Asn10973fs (NM_133437.4); short protein forms N10781fs, N10906fs, N10973fs, N17278fs, N18205fs, N19846fs.
Identifiers: ClinVar variation 1012334 (VCV001012334.5), dbSNP rs1559602980, ClinGen allele CA916720214.